The following is an entry in ClinVar:

NM_001368397.1(FRMPD4):c.5068C>T (p.Arg1690Ter)

Gene: FRMPD4 (FERM and PDZ domain containing 4; plus strand). Cytogenetic location: Xp22.2.
Variant type: single nucleotide variant.
Coding change: c.5068C>T on transcript NM_001368397.1 (MANE Select); coding-DNA position 5068, C replaced by T.
Protein change: p.Arg1690Ter; replaces arginine 1690 with a stop codon.
Molecular consequence: nonsense. On other transcripts: 3 prime UTR variant (6).
Genome position (GRCh38, 1-based): chrX:12,721,637, C>T. VCF-style: chrX-12721637-C-T. GRCh37 (hg19) VCF-style: chrX-12739756-C-T.
Other names: c.5179C>T, p.Arg1727Ter (NM_001368395.3); c.5074C>T, p.Arg1692Ter (NM_001368396.3); c.*1104C>T (NM_001368398.3, NM_001368399.3, NM_001368400.3 and 3 more transcripts); short protein forms R1690*, R1692*, R1727*.
Identifiers: ClinVar variation 4873752 (VCV004873752.2).

ClinVar aggregate classification (germline): Likely benign (1 of 4 stars; one submission).

gnomAD v4.1: 2 of 753,373 alleles (0.00027%); highest among the groups gnomAD compares: Non-Finnish European, 0.00031%; no homozygotes.

Submission:

CeGaT Center for Human Genetics Tuebingen
Classification: Likely benign. Last evaluated: 2026-04-01. Review status: criteria provided, single submitter. Criteria: CeGaT Center For Human Genetics Tuebingen Variant Classification Criteria Version 2. Collection method: clinical testing. Allele origin: germline. Affected: yes. Observed: 1 variant allele.
Comment: FRMPD4: BS2